The following is an entry in ClinVar:

ClinVar aggregate classification (germline): Conflicting classifications of pathogenicity. Review status: criteria provided, conflicting classifications (1 of 4 stars). 2 submissions from 2 submitters: Likely pathogenic (1); Uncertain significance (1). Last evaluated 2023-11-14.

Conditions:
Poirier-Bienvenu neurodevelopmental syndrome (POBINDS). Identifiers: Orphanet 689397, MedGen C5231482, MONDO:0032889, OMIM 618732.

Submissions (2):

3billion
Classification: Uncertain significance for Poirier-Bienvenu neurodevelopmental syndrome. Last evaluated: 2023-11-14. Review status: criteria provided, single submitter. Criteria: ACMG Guidelines, 2015. Collection method: clinical testing. Allele origin: germline. Affected: yes.
Comment: The variant is not observed in the gnomAD v2.1.1 dataset. Predicted Consequence/Location: Missense variant In silico tool predictions suggest damaging effect of the variant on gene or gene product [REVEL: 0.67 (>=0.6, sensitivity 0.68 and specificity 0.92); 3Cnet: 0.92 (>=0.6, sensitivity 0.72 and precision 0.9)]. Therefore, this variant is classified as VUS according to the recommendation of ACMG/AMP guideline.

Victorian Clinical Genetics Services, Murdoch Childrens Research Institute
Classification: Likely pathogenic for Poirier-Bienvenu neurodevelopmental syndrome. Last evaluated: 2023-07-17. Review status: criteria provided, single submitter. Criteria: ACMG Guidelines, 2015. Collection method: clinical testing. Allele origin: germline. Inheritance: Autosomal dominant inheritance. Affected: yes.
Comment: Based on the classification scheme VCGS_Germline_v1.3.4, this variant is classified as Likely pathogenic. Following criteria are met: 0102 - Loss of function is a known mechanism of disease in this gene for variants resulting in a premature termination codon, and is associated with Poirier-Bienvenu neurodevelopmental syndrome (MIM#618732). The mechanism of missense variants is likely dominant negative (PMID: 35571680). (I) 0107 - This gene is associated with autosomal dominant disease. (I) 0200 - Variant is predicted to result in a missense amino acid change from phenylalanine to serine. (I) 0251 - This variant is heterozygous. (I) 0301 - Variant is absent from gnomAD (both v2 and v3). (SP) 0501 - Missense variant consistently predicted to be damaging by multiple in silico tools or highly conserved with a major amino acid change. (SP) 0603 - Missense variant in a region that is highly intolerant to missense variation (high constraint region in DECIPHER). (SP) 0705 - No comparable missense variants have previous evidence for pathogenicity. (I) 0807 - This variant has no previous evidence of pathogenicity. (I) 0905 - No published segregation evidence has been identified for this variant. (I) 1007 - No published functional evidence has been identified for this variant. (SP) Legend: (SP) - Supporting pathogenic, (I) - Information, (SB) - Supporting benign

Literature cited by the submitters: PubMed 35571680 (cited by Victorian Clinical Genetics Services, Murdoch Childrens Research Institute).

NM_001320.7(CSNK2B):c.569T>C (p.Phe190Ser)

Gene: CSNK2B (casein kinase 2 beta; plus strand). Cytogenetic location: 6p21.33.
Variant type: single nucleotide variant.
Coding change: c.569T>C on transcript NM_001320.7 (MANE Select); coding-DNA position 569, T replaced by C.
Protein change: p.Phe190Ser; replaces phenylalanine 190 with serine.
Molecular consequence: missense variant.
Genome position (GRCh38, 1-based): chr6:31,669,847, T>C. VCF-style: chr6-31669847-T-C. GRCh37 (hg19) VCF-style: chr6-31637624-T-C.
Other names: c.560T>C, p.Phe187Ser (NM_001282385.2); short protein forms F187S, F190S.
Identifiers: ClinVar variation 1805910 (VCV001805910.3), dbSNP rs2536970927, ClinGen allele CA363479499.